The following is an entry in ClinVar:

NM_020433.5(JPH2):c.632C>T (p.Ala211Val)

Gene: JPH2 (junctophilin 2; minus strand). Cytogenetic location: 20q13.12.
Variant type: single nucleotide variant.
Coding change: c.632C>T on transcript NM_020433.5 (MANE Select); coding-DNA position 632, C replaced by T.
Protein change: p.Ala211Val; replaces alanine 211 with valine.
Molecular consequence: missense variant.
Genome position (GRCh38, 1-based): chr20:44,160,155, G>A on the plus strand (C>T on the coding strand, the complement: JPH2 is on the minus strand). VCF-style: chr20-44160155-G-A. GRCh37 (hg19) VCF-style: chr20-42788795-G-A.
Other names: short protein forms A211V.
Identifiers: ClinVar variation 1752891 (VCV001752891.2), dbSNP rs2515744983, ClinGen allele CA409093989.

ClinVar aggregate classification (germline): Uncertain significance (1 of 4 stars; one submission).

Conditions:
Cardiovascular phenotype. Identifiers: MedGen CN230736.

Allele frequency attached by ClinVar (database versions not stated): gnomAD exomes below 0.00001.
gnomAD v4.1: 1 of 1,427,958 alleles (0.00007%); no homozygotes.

Submission:

Ambry Genetics
Classification: Uncertain significance for Cardiovascular phenotype. Last evaluated: 2021-11-14. Review status: criteria provided, single submitter. Criteria: Ambry Variant Classification Scheme 2023. Collection method: clinical testing. Allele origin: germline.
Comment: The p.A211V variant (also known as c.632C>T), located in coding exon 2 of the JPH2 gene, results from a C to T substitution at nucleotide position 632. The alanine at codon 211 is replaced by valine, an amino acid with similar properties. This amino acid position is conserved. In addition, this alteration is predicted to be tolerated by in silico analysis. Since supporting evidence is limited at this time, the clinical significance of this alteration remains unclear.